The following is an entry in ClinVar:

ClinVar aggregate classification (germline): Pathogenic. Review status: criteria provided, multiple submitters, no conflicts (2 of 4 stars). 3 submissions from 3 submitters: Pathogenic (2). 1 of the submissions does not count toward it. Last evaluated 2026-01-12.

Conditions:
Inborn genetic diseases. Identifiers: MedGen C0950123, MeSH D030342.
Hereditary spastic paraplegia 26 (SPG26). Also called: SPASTIC PARAPLEGIA 26, AUTOSOMAL RECESSIVE. Identifiers: Orphanet 101006, MedGen C1836632, MONDO:0012213, OMIM 609195.

Submissions (3):

Ambry Genetics
Classification: Pathogenic for Inborn genetic diseases. Last evaluated: 2026-01-12. Review status: criteria provided, single submitter. Criteria: Ambry Variant Classification Scheme 2023. Collection method: clinical testing. Allele origin: germline.
Comment: The c.395delC (p.P132Qfs*7) alteration, located in exon 4 (coding exon 3) of the B4GALNT1 gene, consists of a deletion of one nucleotide at position 395, causing a translational frameshift with a predicted alternate stop codon after 7 amino acids. This alteration is expected to result in loss of function by premature protein truncation or nonsense-mediated mRNA decay. Based on data from gnomAD, the allele has an overall frequency of <0.001% (1/248064) total alleles studied. The highest observed frequency was 0.003% (1/34352) of Latino alleles. This variant has been identified in the homozygous state and/or in conjunction with other B4GALNT1 variant(s) in individual(s) with features consistent with B4GALNT1-related spastic paraplegia (Boukhris, 2013). Based on the available evidence, this alteration is classified as pathogenic.

Dasa
Classification: Pathogenic. Last evaluated: 2025-06-28. Review status: criteria provided, single submitter. Criteria: DASA Assertion Criteria. Collection method: clinical testing. Allele origin: germline.
Comment: NM_001478.5(B4GALNT1):c.395del (p.Pro132Glnfs*7) introduces a premature termination codon predicted to result in loss of normal protein function. Loss-of-function is an established mechanism of disease for this gene. Segregation evidence has been reported in affected families. This variant has been reported in an affected individual with related phenotype in a genotype context consistent with recessive disease (PMID: 23746551). The variant is present at low frequency in population datasets. Based on the available data, this variant is classified as pathogenic.

OMIM
Classification: Pathogenic for SPASTIC PARAPLEGIA 26, AUTOSOMAL RECESSIVE. Last evaluated: 2013-07-11. Review status: no assertion criteria provided. Collection method: literature only. Allele origin: germline. Not counted in ClinVar's aggregate classification.

Literature cited by the submitters: PubMed 23746551 (cited by 3 submitters).

NM_001478.5(B4GALNT1):c.395del (p.Pro132fs)

Gene: B4GALNT1 (beta-1,4-N-acetyl-galactosaminyltransferase 1; minus strand). Cytogenetic location: 12q13.3.
Variant type: Deletion.
Coding change: c.395del on transcript NM_001478.5 (MANE Select); coding-DNA position 395, one base deleted (C; older notation c.395delC).
Protein change: p.Pro132fs; shifts the reading frame from proline 132.
Molecular consequence: frameshift variant.
Genome position (GRCh38, 1-based): chr12:57,631,075, G deleted on the plus strand (C on the coding strand, the reverse complement: B4GALNT1 is on the minus strand); the first of 4 consecutive G bases (chr12:57,631,075-57,631,078); deleting any one gives the same sequence. VCF-style (leftmost placement, unchanged base first): chr12-57631074-TG-T. GRCh37 (hg19) VCF-style: chr12-58024857-TG-T.
Other names: B4GALNT1, 1-BP DEL, 395C; c.230del, p.Pro77fs (NM_001276468.2); c.395del, p.Pro132fs (NM_001276469.2); c.395delC (NM_001478.3); short protein forms P132fs, P77fs.
Identifiers: ClinVar variation 60523 (VCV000060523.4), dbSNP rs766591558, ClinGen allele CA6655780.